The following is an entry in ClinVar:

NM_002691.4(POLD1):c.1776-20C>A

Gene: POLD1 (DNA polymerase delta 1, catalytic subunit; plus strand). Cytogenetic location: 19q13.33.
Variant type: single nucleotide variant.
Coding change: c.1776-20C>A on transcript NM_002691.4 (MANE Select); 20 bases into the intron before coding-DNA position 1776, C replaced by A.
Molecular consequence: intron variant. On other transcripts: missense variant (1).
Genome position (GRCh38, 1-based): chr19:50,408,765, C>A. VCF-style: chr19-50408765-C-A. GRCh37 (hg19) VCF-style: chr19-50912022-C-A.
Other names: c.1834C>A, p.Arg612Ser (NM_001308632.1); c.1776-20C>A (NM_001256849.1); short protein forms R612S.
Identifiers: ClinVar variation 2110676 (VCV002110676.4), dbSNP rs746366643, ClinGen allele CA406981890.
Genomic context (GRCh38, chr19:50,408,765, plus strand): 5'-AGGGTGAGGCCACAAGACAGGGCGGGGGCGGCATGGGAACTCCTAGCCCTGACTCCCGGC[C>A]GCGGCTGCTCCCCTCCCAGGTACTACGACGTCCCCATCGCCACCCTGGACTTCTCCTCGC-3'

ClinVar aggregate classification (germline): Uncertain significance (1 of 4 stars; one submission).

Conditions:
POLD1-related polyposis and colorectal cancer syndrome (CRCS10). Also called: Colorectal cancer 10; COLORECTAL CANCER, SUSCEPTIBILITY TO, ON CHROMOSOME 19q; Colorectal cancer, susceptibility to, 10. Identifiers: Orphanet 220460, MedGen C2675481, MONDO:0012953, OMIM 612591.

Submission:

Labcorp Genetics (formerly Invitae), Labcorp
Classification: Uncertain significance for POLD1-related polyposis and colorectal cancer syndrome. Last evaluated: 2022-03-13. Review status: criteria provided, single submitter. Criteria: Invitae Variant Classification Sherloc (09022015). Collection method: clinical testing. Allele origin: germline.
Comment: This sequence change falls in intron 14 of the POLD1 gene. It does not directly change the encoded amino acid sequence of the POLD1 protein. This variant is not present in population databases (gnomAD no frequency). This variant has not been reported in the literature in individuals affected with POLD1-related conditions. Algorithms developed to predict the effect of sequence changes on RNA splicing suggest that this variant may create or strengthen a splice site. In summary, the available evidence is currently insufficient to determine the role of this variant in disease. Therefore, it has been classified as a Variant of Uncertain Significance.